The following is an entry in ClinVar:

ClinVar aggregate classification (germline): Uncertain significance (1 of 4 stars; one submission).

Allele frequency attached by ClinVar (database versions not stated): gnomAD 0.00001; gnomAD exomes 0.00001 and 0.00002.
gnomAD v4.1: 25 of 1,550,476 alleles (0.0016%); highest among the groups gnomAD compares: African/African-American, 0.0027%; no homozygotes.

Submission:

Labcorp Genetics (formerly Invitae), Labcorp
Classification: Uncertain significance. Last evaluated: 2025-07-10. Review status: criteria provided, single submitter. Criteria: Invitae Variant Classification Sherloc (09022015). Collection method: clinical testing. Allele origin: germline.
Comment: This sequence change replaces glutamic acid, which is acidic and polar, with glutamine, which is neutral and polar, at codon 1133 of the OTOG protein (p.Glu1133Gln). This variant is present in population databases (no rsID available, gnomAD 0.002%). This variant has not been reported in the literature in individuals affected with OTOG-related conditions. ClinVar contains an entry for this variant (Variation ID: 1355828). An algorithm developed to predict the effect of missense changes on protein structure and function (PolyPhen-2) suggests that this variant is likely to be disruptive. In summary, the available evidence is currently insufficient to determine the role of this variant in disease. Therefore, it has been classified as a Variant of Uncertain Significance.

NM_001292063.2(OTOG):c.3361G>C (p.Glu1121Gln)

Gene: OTOG (otogelin; plus strand). Cytogenetic location: 11p15.1.
Variant type: single nucleotide variant.
Coding change: c.3361G>C on transcript NM_001292063.2 (MANE Select); coding-DNA position 3361, G replaced by C.
Protein change: p.Glu1121Gln; replaces glutamic acid 1121 with glutamine.
Molecular consequence: missense variant.
Genome position (GRCh38, 1-based): chr11:17,594,119, G>C. VCF-style: chr11-17594119-G-C. GRCh37 (hg19) VCF-style: chr11-17615666-G-C.
Other names: c.3397G>C, p.Glu1133Gln (NM_001277269.2); short protein forms E1121Q, E1133Q.
Identifiers: ClinVar variation 1355828 (VCV001355828.4), dbSNP rs1275721235, ClinGen allele CA379783972.